The following is an entry in ClinVar:

ClinVar aggregate classification (germline): Uncertain significance (1 of 4 stars; one submission).

Conditions:
Congenital myasthenic syndrome 8. Also called: Myasthenic syndrome, congenital, 8, with pre- and postsynaptic defects; MYASTHENIC SYNDROME, CONGENITAL, DUE TO AGRIN DEFICIENCY. Identifiers: Orphanet 590, MedGen C3808739, MONDO:0014052, OMIM 615120.

Submission:

Labcorp Genetics (formerly Invitae), Labcorp
Classification: Uncertain significance for Congenital myasthenic syndrome 8. Last evaluated: 2022-06-20. Review status: criteria provided, single submitter. Criteria: Invitae Variant Classification Sherloc (09022015). Collection method: clinical testing. Allele origin: germline.
Comment: In summary, the available evidence is currently insufficient to determine the role of this variant in disease. Therefore, it has been classified as a Variant of Uncertain Significance. Algorithms developed to predict the effect of missense changes on protein structure and function (SIFT, PolyPhen-2, Align-GVGD) all suggest that this variant is likely to be tolerated. This variant has not been reported in the literature in individuals affected with AGRN-related conditions. This variant is not present in population databases (gnomAD no frequency). This sequence change replaces histidine, which is basic and polar, with glutamine, which is neutral and polar, at codon 1290 of the AGRN protein (p.His1290Gln).

NM_198576.4(AGRN):c.3870C>A (p.His1290Gln)

Gene: AGRN (agrin; plus strand). Cytogenetic location: 1p36.33.
Variant type: single nucleotide variant.
Coding change: c.3870C>A on transcript NM_198576.4 (MANE Select); coding-DNA position 3870, C replaced by A.
Protein change: p.His1290Gln; replaces histidine 1290 with glutamine.
Molecular consequence: missense variant.
Genome position (GRCh38, 1-based): chr1:1,048,130, C>A. VCF-style: chr1-1048130-C-A. GRCh37 (hg19) VCF-style: chr1-983510-C-A.
Other names: c.3870C>A, p.His1290Gln (NM_001305275.2); c.3555C>A, p.His1185Gln (NM_001364727.2); short protein forms H1185Q, H1290Q.
Identifiers: ClinVar variation 1510493 (VCV001510493.8), dbSNP rs1645155187, ClinGen allele CA337852794.